The following is an entry in ClinVar:

ClinVar aggregate classification (germline): Likely benign (0 of 4 stars; one submission).

Conditions:
FAT1-related disorder. Also called: FAT1-related condition.

Allele frequency attached by ClinVar (database versions not stated): TOPMed 0.00002.
gnomAD v4.1: 7 of 1,602,648 alleles (0.00044%); highest among the groups gnomAD compares: African/African-American, 0.0027%; no homozygotes.

Submission:

PreventionGenetics, part of Exact Sciences
Classification: Likely benign for FAT1-related condition. Last evaluated: 2022-03-09. Review status: no assertion criteria provided. Collection method: clinical testing. Allele origin: germline.
Comment: This variant is classified as likely benign based on ACMG/AMP sequence variant interpretation guidelines (Richards et al. 2015 PMID: 25741868, with internal and published modifications).

NM_005245.4(FAT1):c.*7A>G

Genes: FAT1 (FAT atypical cadherin 1; minus strand), LOC126807253 (BRD4-independent group 4 enhancer GRCh37_chr4:187509297-187510496; plus strand). Cytogenetic location: 4q35.2.
Variant type: single nucleotide variant.
Coding change: c.*7A>G on transcript NM_005245.4 (MANE Select); 7 bases downstream of the stop codon, A replaced by G.
Molecular consequence: 3 prime UTR variant.
Genome position (GRCh38, 1-based): chr4:186,588,585, T>C on the plus strand (A>G on the coding strand, the complement: FAT1 is on the minus strand). VCF-style: chr4-186588585-T-C. GRCh37 (hg19) VCF-style: chr4-187509739-T-C.
Identifiers: ClinVar variation 3030692 (VCV003030692.2), dbSNP rs1381175578, ClinGen allele CA792362017.